The following is an entry in ClinVar:

ClinVar aggregate classification (germline): Pathogenic (1 of 4 stars; one submission).

Conditions:
Glycogen storage disease IXc (GSD9C). Also called: GSD IXc. Identifiers: Orphanet 264580, MedGen C2751643, MONDO:0013091, OMIM 613027.

Allele frequency attached by ClinVar (database versions not stated): TOPMed below 0.00001; gnomAD 0.00001; gnomAD exomes 0.00001; ExAC 0.00002.

Submission:

Labcorp Genetics (formerly Invitae), Labcorp
Classification: Pathogenic for Glycogen storage disease IXc. Last evaluated: 2023-11-25. Review status: criteria provided, single submitter. Criteria: Invitae Variant Classification Sherloc (09022015). Collection method: clinical testing. Allele origin: germline.
Comment: This sequence change creates a premature translational stop signal (p.Arg168*) in the PHKG2 gene. It is expected to result in an absent or disrupted protein product. Loss-of-function variants in PHKG2 are known to be pathogenic (PMID: 8896567, 17689125, 21646031). This variant is present in population databases (rs778952896, gnomAD 0.006%). This premature translational stop signal has been observed in individual(s) with clinical features of glycogen storage disease (PMID: 21646031). ClinVar contains an entry for this variant (Variation ID: 1459077). For these reasons, this variant has been classified as Pathogenic.

Literature cited by the submitters: PubMed 8896567; PubMed 17689125; PubMed 21646031.

NM_000294.3(PHKG2):c.502C>T (p.Arg168Ter)

Gene: PHKG2 (phosphorylase kinase catalytic subunit gamma 2; plus strand). Cytogenetic location: 16p11.2.
Variant type: single nucleotide variant.
Coding change: c.502C>T on transcript NM_000294.3 (MANE Select); coding-DNA position 502, C replaced by T.
Protein change: p.Arg168Ter; replaces arginine 168 with a stop codon.
Molecular consequence: nonsense.
Genome position (GRCh38, 1-based): chr16:30,753,503, C>T. VCF-style: chr16-30753503-C-T. GRCh37 (hg19) VCF-style: chr16-30764824-C-T.
Other names: c.502C>T, p.Arg168Ter (NM_001172432.2); short protein forms R168*.
Identifiers: ClinVar variation 1459077 (VCV001459077.6), dbSNP rs778952896, ClinGen allele CA8013193.